The following is an entry in ClinVar:

ClinVar aggregate classification (germline): Benign/Likely benign. Review status: criteria provided, multiple submitters, no conflicts (2 of 4 stars). 12 submissions from 12 submitters: Benign (7); Likely benign (2). 3 of the submissions do not count toward it. Last evaluated 2026-03-23.

Conditions:
Isolated Nonsyndromic Congenital Heart Disease.
Cardiovascular phenotype. Identifiers: MedGen CN230736.
Alagille syndrome due to a JAG1 point mutation. Also called: HEPATIC DUCTULAR HYPOPLASIA, SYNDROMATIC; Alagille Syndrome 1; JAG1-Related Alagille Syndrome. Identifiers: Orphanet 261619, Orphanet 52, MedGen C1956125, MONDO:0016862, OMIM 118450.

Allele frequency attached by ClinVar (database versions not stated): gnomAD exomes 0.00117 and 0.00313; ExAC 0.00394; 1000 Genomes Project 30x 0.01156; gnomAD 0.01157 and 0.01238; 1000 Genomes Project 0.01158; TOPMed 0.01268; ESP Exome Variant Server 0.01284.
gnomAD v4.1: 3,574 of 1,612,988 alleles (0.22%); highest among the groups gnomAD compares: African/African-American, 4.1%; 60 homozygotes.

Submissions (12):

Women's Health and Genetics/Laboratory Corporation of America, LabCorp
Classification: Likely benign. Last evaluated: 2026-03-23. Review status: criteria provided, single submitter. Criteria: LabCorp Variant Classification Summary - May 2015. Collection method: clinical testing. Allele origin: germline.

Labcorp Genetics (formerly Invitae), Labcorp
Classification: Benign for Alagille syndrome due to a JAG1 point mutation. Last evaluated: 2026-02-01. Review status: criteria provided, single submitter. Criteria: Invitae Variant Classification Sherloc (09022015). Collection method: clinical testing. Allele origin: germline.

Blueprint Genetics
Classification: Likely benign. Last evaluated: 2024-11-25. Review status: criteria provided, single submitter. Criteria: ACMG Guidelines, 2015. Collection method: clinical testing. Allele origin: germline.

Mayo Clinic Laboratories, Mayo Clinic
Classification: Benign. Last evaluated: 2022-10-19. Review status: criteria provided, single submitter. Criteria: ACMG Guidelines, 2015. Collection method: clinical testing. Allele origin: germline. Observed: 19 variant alleles.
Comment: BS1, BS2, BP4

Ambry Genetics
Classification: Benign for Cardiovascular phenotype. Last evaluated: 2018-01-19. Review status: criteria provided, single submitter. Criteria: Ambry Variant Classification Scheme 2023. Collection method: clinical testing. Allele origin: germline.

Illumina Laboratory Services, Illumina
Classification: Benign for Isolated Nonsyndromic Congenital Heart Disease. Last evaluated: 2018-01-13. Review status: criteria provided, single submitter. Criteria: ICSL Variant Classification Criteria 13 December 2019. Collection method: clinical testing. Allele origin: germline.
Comment: This variant was observed in the ICSL laboratory as part of a predisposition screen in an ostensibly healthy population. It had not been previously curated by ICSL or reported in the Human Gene Mutation Database (HGMD: prior to June 1st, 2018), and was therefore a candidate for classification through an automated scoring system. Utilizing variant allele frequency, disease prevalence and penetrance estimates, and inheritance mode, an automated score was calculated to assess if this variant is too frequent to cause the disease. Based on the score and internal cut-off values, a variant classified as benign is not then subjected to further curation. The score for this variant resulted in a classification of benign for this disease.

Laboratory for Molecular Medicine, Mass General Brigham Personalized Medicine
Classification: Benign. Last evaluated: 2011-03-09. Review status: criteria provided, single submitter. Criteria: LMM Criteria. Collection method: clinical testing. Allele origin: germline. Observed: 2 variant alleles.

Breakthrough Genomics
Classification: Benign. Review status: criteria provided, single submitter. Criteria: ACMG Guidelines, 2015. Collection method: not provided. Allele origin: germline. Inheritance: Autosomal dominant inheritance. Affected: yes.

PreventionGenetics, part of Exact Sciences
Classification: Benign. Review status: criteria provided, single submitter. Criteria: ACMG Guidelines, 2015. Collection method: clinical testing. Allele origin: germline.

Clinical Genetics DNA and cytogenetics Diagnostics Lab, Erasmus MC, Erasmus Medical Center
Classification: Benign. Review status: no assertion criteria provided. Collection method: clinical testing. Allele origin: germline. Affected: yes. Study: VKGL Data-share Consensus. Not counted in ClinVar's aggregate classification.

Clinical Genetics, Academic Medical Center
Classification: Benign. Review status: no assertion criteria provided. Collection method: clinical testing. Allele origin: germline. Affected: yes. Study: VKGL Data-share Consensus. Not counted in ClinVar's aggregate classification.

Genome Diagnostics Laboratory, University Medical Center Utrecht
Classification: Benign. Review status: no assertion criteria provided. Collection method: clinical testing. Allele origin: germline. Affected: yes. Study: VKGL Data-share Consensus. Not counted in ClinVar's aggregate classification.

NM_000214.3(JAG1):c.436G>A (p.Val146Ile)

Gene: JAG1 (jagged canonical Notch ligand 1; minus strand). Cytogenetic location: 20p12.2.
Variant type: single nucleotide variant.
Coding change: c.436G>A on transcript NM_000214.3 (MANE Select); coding-DNA position 436, G replaced by A.
Protein change: p.Val146Ile; replaces valine 146 with isoleucine.
Molecular consequence: missense variant.
Genome position (GRCh38, 1-based): chr20:10,663,966, C>T on the plus strand (G>A on the coding strand, the complement: JAG1 is on the minus strand). VCF-style: chr20-10663966-C-T. GRCh37 (hg19) VCF-style: chr20-10644614-C-T.
Other names: short protein forms V146I.
Identifiers: ClinVar variation 42480 (VCV000042480.28), dbSNP rs6040067, ClinGen allele CA282313.